The following is an entry in ClinVar:

NM_012431.3(SEMA3E):c.121T>C (p.Leu41=)

Gene: SEMA3E (semaphorin 3E; minus strand). Cytogenetic location: 7q21.11.
Variant type: single nucleotide variant.
Coding change: c.121T>C on transcript NM_012431.3 (MANE Select); coding-DNA position 121, T replaced by C.
Protein change: p.Leu41=; no amino-acid change (leucine 41 retained).
Molecular consequence: synonymous variant. On other transcripts: 5 prime UTR variant (1).
Genome position (GRCh38, 1-based): chr7:83,490,269, A>G on the plus strand (T>C on the coding strand, the complement: SEMA3E is on the minus strand). VCF-style: chr7-83490269-A-G. GRCh37 (hg19) VCF-style: chr7-83119585-A-G.
Other names: c.-60T>C (NM_001178129.2).
Identifiers: ClinVar variation 5000331 (VCV005000331.1).

ClinVar aggregate classification (germline): Likely benign (1 of 4 stars; one submission).

Conditions:
SEMA3E-related disorder. Also called: SEMA3E-related condition.

gnomAD v4.1: 2 of 1,611,856 alleles (0.00012%); highest among the groups gnomAD compares: Non-Finnish European, 0.00017%; no homozygotes.

Submission:

PreventionGenetics, part of Exact Sciences
Classification: Likely benign for SEMA3E-related condition. Last evaluated: 2024-10-07. Review status: criteria provided, single submitter. Criteria: ACMG Guidelines, 2015. Collection method: clinical testing. Allele origin: germline.
Comment: This variant is classified as likely benign based on ACMG/AMP sequence variant interpretation guidelines (Richards et al. 2015 PMID: 25741868, with internal and published modifications).